The following is an entry in ClinVar:

NM_199242.3(UNC13D):c.202G>A (p.Gly68Ser)

Gene: UNC13D (unc-13 homolog D; minus strand). Cytogenetic location: 17q25.1.
Variant type: single nucleotide variant.
Coding change: c.202G>A on transcript NM_199242.3 (MANE Select); coding-DNA position 202, G replaced by A.
Protein change: p.Gly68Ser; replaces glycine 68 with serine.
Molecular consequence: missense variant.
Genome position (GRCh38, 1-based): chr17:75,843,218, C>T on the plus strand (G>A on the coding strand, the complement: UNC13D is on the minus strand). VCF-style: chr17-75843218-C-T. GRCh37 (hg19) VCF-style: chr17-73839299-C-T.
Other names: short protein forms G68S.
Identifiers: ClinVar variation 1992785 (VCV001992785.4), dbSNP rs2064961883, ClinGen allele CA401117273.
Genomic context (GRCh38, chr17:75,843,218, plus strand): 5'-CCTCCTGCAGGTATCGCAGCAGCTCAGAGGCCTCCGTCACATGGTTGGGCTCAGGATGAC[C>T]CAGGCGGTGCAAGACAGTGTAGAGTGCGTCCTCGTAGAGCAGGGCCCGCTAAGACACACG-3'
Protein context (NP_954712.1, residues 58-78): DALYTVLHRL[Gly68Ser]HPEPNHVTEA

ClinVar aggregate classification (germline): Uncertain significance (1 of 4 stars; one submission).

Conditions:
Familial hemophagocytic lymphohistiocytosis 3 (FHL3). Also called: UNC13D-Related Familial Hemophagocytic Lymphohistiocytosis (UNC13D-fHLH). Identifiers: Orphanet 540, MedGen C1837174, MONDO:0012146, OMIM 608898.

Submission:

Labcorp Genetics (formerly Invitae), Labcorp
Classification: Uncertain significance for Familial hemophagocytic lymphohistiocytosis 3. Last evaluated: 2025-12-08. Review status: criteria provided, single submitter. Criteria: Invitae Variant Classification Sherloc (09022015). Collection method: clinical testing. Allele origin: germline.
Comment: This sequence change replaces glycine, which is neutral and non-polar, with serine, which is neutral and polar, at codon 68 of the UNC13D protein (p.Gly68Ser). This variant is not present in population databases (gnomAD no frequency). This variant has not been reported in the literature in individuals affected with UNC13D-related conditions. ClinVar contains an entry for this variant (Variation ID: 1992785). Invitae Evidence Modeling of protein sequence and biophysical properties (such as structural, functional, and spatial information, amino acid conservation, physicochemical variation, residue mobility, and thermodynamic stability) has been performed for this missense variant. However, the output from this modeling did not meet the statistical confidence thresholds required to predict the impact of this variant on UNC13D protein function. In summary, the available evidence is currently insufficient to determine the role of this variant in disease. Therefore, it has been classified as a Variant of Uncertain Significance.